The following is an entry in ClinVar:

ClinVar aggregate classification (germline): Uncertain significance. Review status: criteria provided, multiple submitters, no conflicts (2 of 4 stars). 6 submissions from 5 submitters: Uncertain significance (6). Last evaluated 2026-03-16.

Conditions:
Usher syndrome type 2D. Also called: USHER SYNDROME, TYPE IID. Identifiers: Orphanet 231178, Orphanet 886, MedGen C1568249, MONDO:0012662, OMIM 611383.
Autosomal recessive nonsyndromic hearing loss 31. Also called: WHIRLER, MOUSE, HOMOLOG OF. Identifiers: Orphanet 90636, MedGen C1846839, MONDO:0011767, OMIM 607084.

Allele frequency attached by ClinVar (database versions not stated): gnomAD 0.00002 and 0.00007; TOPMed 0.00005; gnomAD exomes 0.00017; ExAC 0.00019.
gnomAD v4.1: 152 of 1,614,028 alleles (0.0094%); highest among the groups gnomAD compares: South Asian, 0.074%; no homozygotes.

Submissions (6):

Women's Health and Genetics/Laboratory Corporation of America, LabCorp
Classification: Uncertain significance. Last evaluated: 2026-03-16. Review status: criteria provided, single submitter. Criteria: LabCorp Variant Classification Summary - May 2015. Collection method: clinical testing. Allele origin: germline.
Comment: Variant summary: WHRN c.2234G>A (p.Arg745His) results in a non-conservative amino acid change in the encoded protein sequence. Algorithms developed to predict the effect of missense changes on protein structure and function are either unavailable or do not agree on the potential impact of this missense change. Consensus agreement among computation tools predict no significant impact on normal splicing. However, these predictions have yet to be confirmed by functional studies. The variant allele was found at a frequency of 0.00017 in 249952 control chromosomes (gnomAD). This frequency is not significantly higher than estimated for disease-causing variants in WHRN, allowing no conclusion about variant significance. c.2234G>A has been reported in the literature in an individual affected with Usher Syndrome, who also carried other potentially causitive variants (Aparisi_2014). This report does not provide unequivocal conclusions about association of the variant with Usher Syndrome. To our knowledge, no experimental evidence demonstrating an impact on protein function has been reported. The following publication has been ascertained in the context of this evaluation (PMID: 25404053). ClinVar contains an entry for this variant (Variation ID: 913999). Based on the evidence outlined above, the variant was classified as uncertain significance.

Blueprint Genetics
Classification: Uncertain significance. Last evaluated: 2024-10-14. Review status: criteria provided, single submitter. Criteria: ACMG Guidelines, 2015. Collection method: clinical testing. Allele origin: germline.

Labcorp Genetics (formerly Invitae), Labcorp
Classification: Uncertain significance. Last evaluated: 2024-07-22. Review status: criteria provided, single submitter. Criteria: Invitae Variant Classification Sherloc (09022015). Collection method: clinical testing. Allele origin: germline.
Comment: This sequence change replaces arginine, which is basic and polar, with histidine, which is basic and polar, at codon 745 of the WHRN protein (p.Arg745His). This variant is present in population databases (rs555619169, gnomAD 0.09%). This missense change has been observed in individual(s) with Usher syndrome (PMID: 25404053). ClinVar contains an entry for this variant (Variation ID: 913999). An algorithm developed to predict the effect of missense changes on protein structure and function (PolyPhen-2) suggests that this variant is likely to be disruptive. In summary, the available evidence is currently insufficient to determine the role of this variant in disease. Therefore, it has been classified as a Variant of Uncertain Significance.

Baylor Genetics
Classification: Uncertain significance for Usher syndrome type 2D. Last evaluated: 2021-05-19. Review status: criteria provided, single submitter. Criteria: ACMG Guidelines, 2015. Collection method: clinical testing. Allele origin: unknown.

Illumina Laboratory Services, Illumina
Classification: Uncertain significance for Autosomal recessive nonsyndromic hearing loss 31. Last evaluated: 2017-04-28. Review status: criteria provided, single submitter. Criteria: ICSL Variant Classification Criteria 13 December 2019. Collection method: clinical testing. Allele origin: germline.

Illumina Laboratory Services, Illumina
Classification: Uncertain significance for Usher syndrome type 2D. Last evaluated: 2017-04-28. Review status: criteria provided, single submitter. Criteria: ICSL Variant Classification Criteria 13 December 2019. Collection method: clinical testing. Allele origin: germline.
Comment: This variant was observed as part of a predisposition screen in an ostensibly healthy population. A literature search was performed for the gene, cDNA change, and amino acid change (where applicable). Publications were found based on this search. However, the evidence from the literature, in combination with allele frequency data from public databases where available, was not sufficient to rule this variant in or out of causing disease. Therefore, this variant is classified as a variant of unknown significance.

Literature cited by the submitters: PubMed 25404053 (cited by 3 submitters).

NM_015404.4(WHRN):c.2234G>A (p.Arg745His)

Gene: WHRN (whirlin; minus strand). Cytogenetic location: 9q32.
Variant type: single nucleotide variant.
Coding change: c.2234G>A on transcript NM_015404.4 (MANE Select); coding-DNA position 2234, G replaced by A.
Protein change: p.Arg745His; replaces arginine 745 with histidine.
Molecular consequence: missense variant.
Genome position (GRCh38, 1-based): chr9:114,406,357, C>T on the plus strand (G>A on the coding strand, the complement: WHRN is on the minus strand). VCF-style: chr9-114406357-C-T. GRCh37 (hg19) VCF-style: chr9-117168637-C-T.
Other names: c.1085G>A, p.Arg362His (NM_001083885.3); c.2234G>A, p.Arg745His (NM_001173425.2); c.1181G>A, p.Arg394His (NM_001346890.1); short protein forms R362H, R394H, R745H.
Identifiers: ClinVar variation 913999 (VCV000913999.12), dbSNP rs555619169, ClinGen allele CA5205711.